The following is an entry in ClinVar:

NM_001378452.1(ITPR1):c.4246G>A (p.Val1416Ile)

Gene: ITPR1 (inositol 1,4,5-trisphosphate receptor type 1; plus strand). Cytogenetic location: 3p26.1.
Variant type: single nucleotide variant.
Coding change: c.4246G>A on transcript NM_001378452.1 (MANE Select); coding-DNA position 4246, G replaced by A.
Protein change: p.Val1416Ile; replaces valine 1416 with isoleucine.
Molecular consequence: missense variant.
Genome position (GRCh38, 1-based): chr3:4,693,706, G>A. VCF-style: chr3-4693706-G-A. GRCh37 (hg19) VCF-style: chr3-4735390-G-A.
Other names: c.4219G>A, p.Val1407Ile (NM_001099952.4); c.4201G>A, p.Val1401Ile (NM_001168272.2); c.4174G>A, p.Val1392Ile (NM_002222.7); short protein forms V1392I, V1401I, V1407I, V1416I.
Identifiers: ClinVar variation 1326253 (VCV001326253.9), dbSNP rs373436949, ClinGen allele CA2231917.

ClinVar aggregate classification (germline): Uncertain significance. Review status: criteria provided, multiple submitters, no conflicts (2 of 4 stars). 3 submissions from 3 submitters: Uncertain significance (3). Last evaluated 2025-12-13.

Allele frequency attached by ClinVar (database versions not stated): gnomAD exomes 0.00001; TOPMed 0.00006; gnomAD 0.00007 and 0.00008; ESP Exome Variant Server 0.00008.
gnomAD v4.1: 25 of 1,613,596 alleles (0.0015%); highest among the groups gnomAD compares: Admixed American, 0.015%; no homozygotes.

Submissions (3):

Labcorp Genetics (formerly Invitae), Labcorp
Classification: Uncertain significance. Last evaluated: 2025-12-13. Review status: criteria provided, single submitter. Criteria: Invitae Variant Classification Sherloc (09022015). Collection method: clinical testing. Allele origin: germline.
Comment: This sequence change replaces valine, which is neutral and non-polar, with isoleucine, which is neutral and non-polar, at codon 1392 of the ITPR1 protein (p.Val1392Ile). This variant is present in population databases (rs373436949, gnomAD 0.006%). This variant has not been reported in the literature in individuals affected with ITPR1-related conditions. ClinVar contains an entry for this variant (Variation ID: 1326253). Invitae Evidence Modeling of protein sequence and biophysical properties (such as structural, functional, and spatial information, amino acid conservation, physicochemical variation, residue mobility, and thermodynamic stability) indicates that this missense variant is not expected to disrupt ITPR1 protein function with a negative predictive value of 80%. In summary, the available evidence is currently insufficient to determine the role of this variant in disease. Therefore, it has been classified as a Variant of Uncertain Significance.

GeneDx
Classification: Uncertain significance. Last evaluated: 2022-09-14. Review status: criteria provided, single submitter. Criteria: GeneDx Variant Classification Process June 2021. Collection method: clinical testing. Allele origin: germline. Affected: yes.
Comment: In silico analysis supports that this missense variant does not alter protein structure/function; Has not been previously published as pathogenic or benign to our knowledge

Breakthrough Genomics
Classification: Uncertain significance. Review status: criteria provided, single submitter. Criteria: ACMG Guidelines, 2015. Collection method: not provided. Allele origin: germline. Inheritance: Autosomal recessive inheritance. Affected: yes.